The following is an entry in ClinVar:

NM_005732.4(RAD50):c.3718G>C (p.Glu1240Gln)

Genes: TH2-LCR (Th2 cytokine locus control region; plus strand), TH2LCRR (T helper type 2 locus control region associated RNA; minus strand), RAD50 (RAD50 double strand break repair protein; plus strand). Cytogenetic location: 5q31.1.
Variant type: single nucleotide variant.
Coding change: c.3718G>C on transcript NM_005732.4 (MANE Select); coding-DNA position 3718, G replaced by C.
Protein change: p.Glu1240Gln; replaces glutamic acid 1240 with glutamine.
Molecular consequence: missense variant.
Genome position (GRCh38, 1-based): chr5:132,640,771, G>C. VCF-style: chr5-132640771-G-C. GRCh37 (hg19) VCF-style: chr5-131976463-G-C.
Other names: short protein forms E1240Q.
Identifiers: ClinVar variation 1471631 (VCV001471631.8), dbSNP rs772197072, ClinGen allele CA3405650.
Genomic context (GRCh38, chr5:132,640,771, plus strand): 5'-ACGTTCTGCCTCAACTGTGGCATCATTGCCTTGGATGAGCCAACAACAAATCTTGACCGA[G>C]AAAACATTGAATCTCTTGCACATGCTCTGGTTGAGTAAGTATCTCTTGCACATGCTCTGG-3'
Protein context (NP_005723.2, residues 1230-1250): LDEPTTNLDR[Glu1240Gln]NIESLAHALV

ClinVar aggregate classification (germline): Uncertain significance (1 of 4 stars; one submission).

Conditions:
Hereditary cancer-predisposing syndrome. Also called: Tumor predisposition; Hereditary Cancer Syndrome; Hereditary neoplastic syndrome; Neoplastic Syndromes, Hereditary. Identifiers: Orphanet 140162, MedGen C0027672, MeSH D009386, MONDO:0015356.

Allele frequency attached by ClinVar (database versions not stated): gnomAD exomes below 0.00001; ExAC 0.00001.

Submission:

Labcorp Genetics (formerly Invitae), Labcorp
Classification: Uncertain significance for Hereditary cancer-predisposing syndrome. Last evaluated: 2021-07-12. Review status: criteria provided, single submitter. Criteria: Invitae Variant Classification Sherloc (09022015). Collection method: clinical testing. Allele origin: germline.
Comment: This sequence change replaces glutamic acid with glutamine at codon 1240 of the RAD50 protein (p.Glu1240Gln). The glutamic acid residue is moderately conserved and there is a small physicochemical difference between glutamic acid and glutamine. This variant is present in population databases (rs772197072, ExAC 0.001%). This variant has not been reported in the literature in individuals affected with RAD50-related conditions. Algorithms developed to predict the effect of missense changes on protein structure and function are either unavailable or do not agree on the potential impact of this missense change (SIFT: "Tolerated"; PolyPhen-2: "Probably Damaging"; Align-GVGD: "Class C0"). In summary, the available evidence is currently insufficient to determine the role of this variant in disease. Therefore, it has been classified as a Variant of Uncertain Significance.